The following is an entry in ClinVar:

ClinVar aggregate classification (germline): Uncertain significance (1 of 4 stars; one submission).

Conditions:
Primary dilated cardiomyopathy (DCM). Also called: Dilated Cardiomyopathy. Identifiers: Orphanet 217604, MedGen C0007193, MeSH D002311, MONDO:0005021, HP:0001644. Inheritance: Various modes of inheritance.

Submission:

Labcorp Genetics (formerly Invitae), Labcorp
Classification: Uncertain significance for Primary dilated cardiomyopathy. Last evaluated: 2025-05-06. Review status: criteria provided, single submitter. Criteria: Invitae Variant Classification Sherloc (09022015). Collection method: clinical testing. Allele origin: germline.
Comment: This sequence change replaces tyrosine, which is neutral and polar, with phenylalanine, which is neutral and non-polar, at codon 688 of the NEBL protein (p.Tyr688Phe). This variant is not present in population databases (gnomAD no frequency). This variant has not been reported in the literature in individuals affected with NEBL-related conditions. ClinVar contains an entry for this variant (Variation ID: 2008020). An algorithm developed to predict the effect of missense changes on protein structure and function (PolyPhen-2) suggests that this variant is likely to be disruptive. In summary, the available evidence is currently insufficient to determine the role of this variant in disease. Therefore, it has been classified as a Variant of Uncertain Significance.

NM_006393.3(NEBL):c.2063A>T (p.Tyr688Phe)

Genes: NEBL (nebulette; minus strand), LOC126860875 (MED14-independent group 3 enhancer GRCh37_chr10:21105746-21106945; plus strand). Cytogenetic location: 10p12.31.
Variant type: single nucleotide variant.
Coding change: c.2063A>T on transcript NM_006393.3 (MANE Select); coding-DNA position 2063, A replaced by T.
Protein change: p.Tyr688Phe; replaces tyrosine 688 with phenylalanine.
Molecular consequence: missense variant. On other transcripts: intron variant (9).
Genome position (GRCh38, 1-based): chr10:20,817,685, T>A on the plus strand (A>T on the coding strand, the complement: NEBL is on the minus strand). VCF-style: chr10-20817685-T-A. GRCh37 (hg19) VCF-style: chr10-21106614-T-A.
Other names: c.250-4745A>T (NM_001377326.1, NM_001377327.1, NM_001377328.1); c.358-4745A>T (NM_213569.2, NM_001173484.2, NM_001377322.1); c.301-4745A>T (NM_001377324.1); c.292-4745A>T (NM_001377325.1); c.310-4745A>T (NM_001377323.1); short protein forms Y688F.
Identifiers: ClinVar variation 2008020 (VCV002008020.4), dbSNP rs890860447, ClinGen allele CA376094201.
Genomic context (GRCh38, chr10:20,817,685, plus strand): 5'-TTTGCCCTCTTCAGCTCTGGTGGATCAGAAATTGCAGTTCCCCGTTGAAGTTCTCCCTTA[T>A]ATTTTACCTAAGAAGGATAAATAAGAACTTTAACAGATAGCACAATGGGCTCCACTGAAA-3'
Protein context (NP_006384.1, residues 678-698): RNQEQLSAVK[Tyr688Phe]KGELQRGTAI